The following is an entry in ClinVar:

NM_000264.5(PTCH1):c.2485G>A (p.Val829Met)

Genes: PTCH1 (patched 1; minus strand), LOC100507346 (uncharacterized LOC100507346; plus strand). Cytogenetic location: 9q22.32.
Variant type: single nucleotide variant.
Coding change: c.2485G>A on transcript NM_000264.5 (MANE Select); coding-DNA position 2485, G replaced by A.
Protein change: p.Val829Met; replaces valine 829 with methionine.
Molecular consequence: missense variant. On other transcripts: non-coding transcript variant (2).
Genome position (GRCh38, 1-based): chr9:95,467,191, C>T on the plus strand (G>A on the coding strand, the complement: PTCH1 is on the minus strand). VCF-style: chr9-95467191-C-T. GRCh37 (hg19) VCF-style: chr9-98229473-C-T.
Other names: c.2287G>A, p.Val763Met (NM_001083602.3); c.2482G>A, p.Val828Met (NM_001083603.3); c.2032G>A, p.Val678Met (NM_001083604.3, NM_001083605.3, NM_001083606.3 and 1 more transcripts); c.2329G>A, p.Val777Met (NM_001354918.2); short protein forms V763M, V829M, V777M, V828M, V678M.
Identifiers: ClinVar variation 41655 (VCV000041655.24), dbSNP rs201125580, ClinGen allele CA215690.
Genomic context (GRCh38, chr9:95,467,191, plus strand): 5'-TGAAGTAGTGCAGCCACATTTTGGGAAGCTGTTTGTTTTCTTCCAACATGACATACTTCA[C>T]GTTACTGAAACTCCTGTGTAGGTCGTAAAGTAAGTGCTGGATATTCGGGTAGTCTGCTTT-3'
Protein context (NP_000255.2, residues 819-839): LYDLHRSFSN[Val829Met]KYVMLEENKQ

ClinVar aggregate classification (germline): Conflicting classifications of pathogenicity. Review status: criteria provided, conflicting classifications (1 of 4 stars). 9 submissions from 9 submitters: Uncertain significance (1); Benign (3); Likely benign (3). 2 of the submissions do not count toward it. Last evaluated 2026-01-26.

Conditions:
Microform holoprosencephaly. Identifiers: Orphanet 280200, MedGen C5393309, MONDO:0017219.
Hereditary cancer-predisposing syndrome. Also called: Tumor predisposition; Neoplastic Syndromes, Hereditary; Hereditary neoplastic syndrome; Hereditary Cancer Syndrome. Identifiers: Orphanet 140162, MedGen C0027672, MeSH D009386, MONDO:0015356.
Gorlin syndrome. Also called: Basal cell nevus syndrome; Nevoid Basal Cell Carcinoma Syndrome. Identifiers: Orphanet 377, MedGen C0004779, MONDO:0007187.

Allele frequency attached by ClinVar (database versions not stated): gnomAD 0.00015 and 0.00016; 1000 Genomes Project 30x 0.00016; 1000 Genomes Project 0.00020; TOPMed 0.00020; ExAC 0.00031.
gnomAD v4.1: 340 of 1,614,194 alleles (0.021%); highest among the groups gnomAD compares: South Asian, 0.058%; 2 homozygotes.

Submissions (9):

Labcorp Genetics (formerly Invitae), Labcorp
Classification: Benign for Gorlin syndrome. Last evaluated: 2026-01-26. Review status: criteria provided, single submitter. Criteria: Invitae Variant Classification Sherloc (09022015). Collection method: clinical testing. Allele origin: germline.

Center for Genomic Medicine, Rigshospitalet, Copenhagen University Hospital
Classification: Uncertain significance. Last evaluated: 2025-03-04. Review status: criteria provided, single submitter. Criteria: ACMG Guidelines, 2015. Collection method: clinical testing. Allele origin: germline.

Blueprint Genetics
Classification: Likely benign. Last evaluated: 2024-11-17. Review status: criteria provided, single submitter. Criteria: ACMG Guidelines, 2015. Collection method: clinical testing. Allele origin: germline.

Department of Pathology and Laboratory Medicine, Sinai Health System
Classification: Likely benign for Microform holoprosencephaly. Last evaluated: 2024-05-28. Review status: criteria provided, single submitter. Criteria: ACMG Guidelines, 2015. Collection method: clinical testing. Allele origin: germline. Affected: yes.

Quest Diagnostics Nichols Institute San Juan Capistrano
Classification: Benign. Last evaluated: 2023-01-18. Review status: criteria provided, single submitter. Criteria: Quest Diagnostics criteria. Collection method: clinical testing. Allele origin: unknown.

Ambry Genetics
Classification: Benign for Hereditary cancer-predisposing syndrome. Last evaluated: 2022-08-25. Review status: criteria provided, single submitter. Criteria: Ambry Variant Classification Scheme 2023. Collection method: clinical testing. Allele origin: germline.

Sema4
Classification: Likely benign for Hereditary cancer-predisposing syndrome. Last evaluated: 2021-12-14. Review status: criteria provided, single submitter. Criteria: Sema4 Curation Guidelines. Collection method: curation. Allele origin: germline.

Genetic Services Laboratory, University of Chicago
Classification: Uncertain significance. Last evaluated: 2022-05-17. Review status: no assertion criteria provided. Collection method: clinical testing. Allele origin: germline. Affected: no. Not counted in ClinVar's aggregate classification.
Comment: DNA sequence analysis of the PTCH1 gene demonstrated a sequence change, c.2485G>A, in exon 15 that results in an amino acid change, p.Val829Met. This sequence change does not appear to have been previously described in individuals with PTCH1-related disorders. This sequence change has been described in the gnomAD database with a frequency of 0.4% in the Ashkenazi Jewish subpopulation (dbSNP rs201125580). The p.Val829Met change affects a moderately conserved amino acid residue located in a domain of the PTCH1 protein that is known to be functional. In-silico pathogenicity prediction tools (SIFT, PolyPhen2, Align GVGD, REVEL) provide contradictory results for the p.Val829Met substitution. Due to insufficient evidences and the lack of functional studies, the clinical significance of the p.Val829Met change remains unknown at this time.

Biesecker Lab/Clinical Genomics Section, National Institutes of Health
Classification: Uncertain significance. Last evaluated: 2012-07-13. Review status: no assertion criteria provided. Collection method: research. Allele origin: germline. Affected: no. Observed: 1 variant allele. Study: ClinSeq. Not counted in ClinVar's aggregate classification.
ClinVar note: Converted during submission from variant of unknown significance to Uncertain significance.

Literature cited by the submitters: PubMed 32251017 (cited by Quest Diagnostics Nichols Institute San Juan Capistrano and Ambry Genetics); PubMed 12204003 (cited by Quest Diagnostics Nichols Institute San Juan Capistrano and Ambry Genetics); PubMed 32906206 (cited by Quest Diagnostics Nichols Institute San Juan Capistrano).